The following is an entry in ClinVar:

ClinVar aggregate classification (germline): Uncertain significance. Review status: criteria provided, multiple submitters, no conflicts (2 of 4 stars). 5 submissions from 5 submitters: Uncertain significance (5). Last evaluated 2026-03-02.

Conditions:
Alstrom syndrome (ALMS). Identifiers: Orphanet 64, MedGen C0268425, MONDO:0008763, OMIM 203800.
Cardiovascular phenotype. Identifiers: MedGen CN230736.

Allele frequency attached by ClinVar (database versions not stated): gnomAD exomes 0.00003; TOPMed 0.00003; gnomAD 0.00005.

Submissions (5):

Women's Health and Genetics/Laboratory Corporation of America, LabCorp
Classification: Uncertain significance. Last evaluated: 2026-03-02. Review status: criteria provided, single submitter. Criteria: LabCorp Variant Classification Summary - May 2015. Collection method: clinical testing. Allele origin: germline.

Blueprint Genetics
Classification: Uncertain significance. Last evaluated: 2023-11-07. Review status: criteria provided, single submitter. Criteria: ACMG Guidelines, 2015. Collection method: clinical testing. Allele origin: germline.

Labcorp Genetics (formerly Invitae), Labcorp
Classification: Uncertain significance for Alstrom syndrome. Last evaluated: 2022-10-17. Review status: criteria provided, single submitter. Criteria: Invitae Variant Classification Sherloc (09022015). Collection method: clinical testing. Allele origin: germline.
Comment: This sequence change replaces alanine, which is neutral and non-polar, with threonine, which is neutral and polar, at codon 33 of the ALMS1 protein (p.Ala33Thr). This variant is present in population databases (rs768161233, gnomAD 0.005%). This variant has not been reported in the literature in individuals affected with ALMS1-related conditions. Experimental studies and prediction algorithms are not available or were not evaluated, and the functional significance of this variant is currently unknown. In summary, the available evidence is currently insufficient to determine the role of this variant in disease. Therefore, it has been classified as a Variant of Uncertain Significance.

GeneDx
Classification: Uncertain significance. Last evaluated: 2022-08-03. Review status: criteria provided, single submitter. Criteria: GeneDx Variant Classification Process June 2021. Collection method: clinical testing. Allele origin: germline. Affected: yes.
Comment: Not observed at significant frequency in large population cohorts (gnomAD); Has not been previously published as pathogenic or benign to our knowledge

Ambry Genetics
Classification: Uncertain significance for Cardiovascular phenotype. Last evaluated: 2019-09-16. Review status: criteria provided, single submitter. Criteria: Ambry Variant Classification Scheme 2023. Collection method: clinical testing. Allele origin: germline.
Comment: The p.A33T variant (also known as c.97G>A), located in coding exon 1 of the ALMS1 gene, results from a G to A substitution at nucleotide position 97. The alanine at codon 33 is replaced by threonine, an amino acid with similar properties. This amino acid position is not well conserved in available vertebrate species. In addition, this alteration is predicted to be tolerated by in silico analysis. Since supporting evidence is limited at this time, the clinical significance of this alteration remains unclear.

NM_001378454.1(ALMS1):c.94G>A (p.Ala32Thr)

Gene: ALMS1 (ALMS1 centrosome and basal body associated protein; plus strand). Cytogenetic location: 2p13.1.
Variant type: single nucleotide variant.
Coding change: c.94G>A on transcript NM_001378454.1 (MANE Select); coding-DNA position 94, G replaced by A.
Protein change: p.Ala32Thr; replaces alanine 32 with threonine.
Molecular consequence: missense variant.
Genome position (GRCh38, 1-based): chr2:73,385,962, G>A. VCF-style: chr2-73385962-G-A. GRCh37 (hg19) VCF-style: chr2-73613090-G-A.
Other names: c.97G>A, p.Ala33Thr (NM_015120.4); short protein forms A32T, A33T.
Identifiers: ClinVar variation 1768253 (VCV001768253.8), dbSNP rs768161233, ClinGen allele CA1712738.
Genomic context (GRCh38, chr2:73,385,962, plus strand): 5'-CTGGAGGAGGAGGAGGAGGAGGAGGAGGAGGAGGAGGAGGAAGAGGAGGAGGCTGCAGCG[G>A]CGGCGGCGGCGAACGTGGACGACGTAGTGGTCGTGGAGGAGGTGGAGGAAGAGGCGGGGC-3'
Protein context (NP_001365383.1, residues 22-42): EEEEEEEAAA[Ala32Thr]AAANVDDVVV